The following is an entry in ClinVar:

NM_000051.4(ATM):c.7089G>C (p.Lys2363Asn)

Genes: ATM (ATM serine/threonine kinase; plus strand), C11orf65 (chromosome 11 open reading frame 65; minus strand). Cytogenetic location: 11q22.3.
Variant type: single nucleotide variant.
Coding change: c.7089G>C on transcript NM_000051.4 (MANE Select); coding-DNA position 7089, G replaced by C.
Protein change: p.Lys2363Asn; replaces lysine 2363 with asparagine.
Molecular consequence: missense variant. On other transcripts: intron variant (2).
Genome position (GRCh38, 1-based): chr11:108,327,758, G>C. VCF-style: chr11-108327758-G-C. GRCh37 (hg19) VCF-style: chr11-108198485-G-C.
Other names: c.7089G>C, p.Lys2363Asn (NM_001351834.2); c.641-18687C>G (NM_001330368.2); c.*38+7462C>G (NM_001351110.2); short protein forms K2363N.
Identifiers: ClinVar variation 1757070 (VCV001757070.8), dbSNP rs1310044429, ClinGen allele CA382559223.

ClinVar aggregate classification (germline): Likely pathogenic. Review status: criteria provided, multiple submitters, no conflicts (2 of 4 stars). 3 submissions from 3 submitters: Likely pathogenic (3). Last evaluated 2025-02-27.

Conditions:
Hereditary cancer-predisposing syndrome. Also called: Hereditary neoplastic syndrome; Neoplastic Syndromes, Hereditary; Tumor predisposition; Hereditary Cancer Syndrome. Identifiers: Orphanet 140162, MedGen C0027672, MeSH D009386, MONDO:0015356.
Ataxia-telangiectasia syndrome (AT). Also called: Ataxia telangiectasia (A-T); LOUIS-BAR SYNDROME; Cerebello-oculocutaneous telangiectasia; Immunodeficiency with ataxia telangiectasia; Ataxia-telangiectasia, complementation group D; AT, COMPLEMENTATION GROUP C. Identifiers: Orphanet 100, MedGen C0004135, MONDO:0008840, OMIM 208900.
Familial cancer of breast. Also called: Hereditary breast cancer; hereditary breast carcinoma; BREAST CANCER, FAMILIAL. Identifiers: Orphanet 227535, MedGen C0346153, MONDO:0016419, OMIM 114480. Disease mechanism: loss of function.

Allele frequency attached by ClinVar (database versions not stated): gnomAD exomes below 0.00001.
gnomAD v4.1: 1 of 1,612,190 alleles (0.000062%); highest among the groups gnomAD compares: Non-Finnish European, 0.000085%; no homozygotes.

Submissions (3):

Labcorp Genetics (formerly Invitae), Labcorp
Classification: Likely pathogenic for Ataxia-telangiectasia syndrome. Last evaluated: 2025-02-27. Review status: criteria provided, single submitter. Criteria: Invitae Variant Classification Sherloc (09022015). Collection method: clinical testing. Allele origin: germline.
Comment: This sequence change affects codon 2363 of the ATM mRNA. It is a 'silent' change, meaning that it does not change the encoded amino acid sequence of the ATM protein. RNA analysis indicates that this variant induces altered splicing and likely results in a shortened protein product. This variant is present in population databases (no rsID available, gnomAD 0.0009%). This variant has not been reported in the literature in individuals affected with ATM-related conditions. ClinVar contains an entry for this variant (Variation ID: 1757070). An algorithm developed to predict the effect of missense changes on protein structure and function (PolyPhen-2) suggests that this variant is likely to be disruptive. Variants that disrupt the consensus splice site are a relatively common cause of aberrant splicing (PMID: 17576681, 9536098). Studies have shown that this variant results in skipping of exon 48, but is expected to preserve the integrity of the reading-frame (internal data). Other variant(s) that result in skipping of exon 48 have been determined to be pathogenic (PMID: 26896183, 31843900). This suggests that this variant may also be clinically significant and likely to be disease-causing. In summary, the currently available evidence indicates that the variant is pathogenic, but additional data are needed to prove that conclusively. Therefore, this variant has been classified as Likely Pathogenic.

Ambry Genetics
Classification: Likely pathogenic for Hereditary cancer-predisposing syndrome. Last evaluated: 2024-06-24. Review status: criteria provided, single submitter. Criteria: Ambry Variant Classification Scheme 2023. Collection method: clinical testing. Allele origin: germline.
Comment: The c.7089G>C variant (also known as p.K2363N), located in coding exon 47 of the ATM gene, results from a G to C substitution at nucleotide position 7089. The amino acid change results in lysine to asparagine at codon 2363, an amino acid with similar properties. However, this change occurs in the last base pair of coding exon 47, which makes it likely to have some effect on normal mRNA splicing. This nucleotide position is highly conserved in available vertebrate species. This amino acid position is highly conserved in available vertebrate species. In silico splice site analysis predicts that this alteration may weaken the native splice donor site. RNA studies have demonstrated that this alteration results in an in-frame deletion of coding exon 47 impacting a critical functional domain, and is expected to result in loss of function due to an abnormal transcript (Ambry internal data). As such, this alteration is interpreted as likely pathogenic.

Juno Genomics, Hangzhou Juno Genomics, Inc
Classification: Likely pathogenic for Familial cancer of breast; Ataxia-telangiectasia syndrome. Review status: criteria provided, single submitter. Criteria: ACMG Guidelines, 2015. Collection method: clinical testing. Allele origin: germline.
Comment: Null variant in a gene where loss of function (LOF) is a known mechanism of disease.;Absent from controls (or at extremely low frequency if recessive) in Genome Aggregation Database.

Literature cited by the submitters: PubMed 17576681 (cited by Labcorp Genetics (formerly Invitae), Labcorp); PubMed 9536098 (cited by Labcorp Genetics (formerly Invitae), Labcorp); PubMed 26896183 (cited by Labcorp Genetics (formerly Invitae), Labcorp); PubMed 31843900 (cited by Labcorp Genetics (formerly Invitae), Labcorp).